The following is an entry in ClinVar:

NM_001083961.2(WDR62):c.2989G>A (p.Ala997Thr)

Gene: WDR62 (WD repeat domain 62; plus strand). Cytogenetic location: 19q13.12.
Variant type: single nucleotide variant.
Coding change: c.2989G>A on transcript NM_001083961.2 (MANE Select); coding-DNA position 2989, G replaced by A.
Protein change: p.Ala997Thr; replaces alanine 997 with threonine.
Molecular consequence: missense variant.
Genome position (GRCh38, 1-based): chr19:36,101,681, G>A. VCF-style: chr19-36101681-G-A. GRCh37 (hg19) VCF-style: chr19-36592583-G-A.
Other names: c.2989G>A, p.Ala997Thr (NM_173636.5); short protein forms A997T.
Identifiers: ClinVar variation 1306640 (VCV001306640.2), dbSNP rs1973348017, ClinGen allele CA405449019.

ClinVar aggregate classification (germline): Uncertain significance (1 of 4 stars; one submission).

Allele frequency attached by ClinVar (database versions not stated): gnomAD exomes below 0.00001.
gnomAD v4.1: 1 of 1,550,984 alleles (0.000064%); highest among the groups gnomAD compares: African/African-American, 0.0014%; no homozygotes.

Submission:

GeneDx
Classification: Uncertain significance. Last evaluated: 2019-06-17. Review status: criteria provided, single submitter. Criteria: GeneDx Variant Classification Process June 2021. Collection method: clinical testing. Allele origin: germline. Affected: yes.
Comment: Not observed in large population cohorts (Lek et al., 2016); In silico analysis, which includes protein predictors and evolutionary conservation, supports that this variant does not alter protein structure/function; Has not been previously published as pathogenic or benign to our knowledge